The following is an entry in ClinVar:

NM_201550.4(LRRC10):c.679G>C (p.Ala227Pro)

Gene: LRRC10 (leucine rich repeat containing 10; minus strand). Cytogenetic location: 12q15.
Variant type: single nucleotide variant.
Coding change: c.679G>C on transcript NM_201550.4 (MANE Select); coding-DNA position 679, G replaced by C.
Protein change: p.Ala227Pro; replaces alanine 227 with proline.
Molecular consequence: missense variant.
Genome position (GRCh38, 1-based): chr12:69,610,160, C>G on the plus strand (G>C on the coding strand, the complement: LRRC10 is on the minus strand). VCF-style: chr12-69610160-C-G. GRCh37 (hg19) VCF-style: chr12-70003940-C-G.
Other names: short protein forms A227P.
Identifiers: ClinVar variation 3666503 (VCV003666503.3).
Genomic context (GRCh38, chr12:69,610,160, plus strand): 5'-GCTCTGGCGTCTCCTCTGCCCATCTCCCCACACGGCGCACACCTTTGGCCACCTTGGGTG[C>G]GTTCCTGCAAGGATTGTGGTCATAGATGACCAGCTTCAGACTTGACAGGTGCGCCAGGCT-3'
Protein context (NP_963844.2, residues 217-237): VIYDHNPCRN[Ala227Pro]PKVAKGVRRV

ClinVar aggregate classification (germline): Uncertain significance. Review status: criteria provided, multiple submitters, no conflicts (2 of 4 stars). 2 submissions from 2 submitters: Uncertain significance (2). Last evaluated 2024-05-16.

Submissions (2):

Blueprint Genetics
Classification: Uncertain significance. Last evaluated: 2024-05-16. Review status: criteria provided, single submitter. Criteria: ACMG Guidelines, 2015. Collection method: clinical testing. Allele origin: germline.

Labcorp Genetics (formerly Invitae), Labcorp
Classification: Uncertain significance. Last evaluated: 2024-03-07. Review status: criteria provided, single submitter. Criteria: Invitae Variant Classification Sherloc (09022015). Collection method: clinical testing. Allele origin: germline.
Comment: This sequence change replaces alanine, which is neutral and non-polar, with proline, which is neutral and non-polar, at codon 227 of the LRRC10 protein (p.Ala227Pro). This variant is present in population databases (rs778412060, gnomAD 0.003%). This variant has not been reported in the literature in individuals affected with LRRC10-related conditions. An algorithm developed to predict the effect of missense changes on protein structure and function (PolyPhen-2) suggests that this variant is likely to be tolerated. In summary, the available evidence is currently insufficient to determine the role of this variant in disease. Therefore, it has been classified as a Variant of Uncertain Significance.